The following is an entry in ClinVar:

NM_001244008.2(KIF1A):c.2138G>A (p.Cys713Tyr)

Gene: KIF1A (kinesin family member 1A; minus strand). Cytogenetic location: 2q37.3.
Variant type: single nucleotide variant.
Coding change: c.2138G>A on transcript NM_001244008.2 (MANE Select); coding-DNA position 2138, G replaced by A.
Protein change: p.Cys713Tyr; replaces cysteine 713 with tyrosine.
Molecular consequence: missense variant.
Genome position (GRCh38, 1-based): chr2:240,761,356, C>T on the plus strand (G>A on the coding strand, the complement: KIF1A is on the minus strand). VCF-style: chr2-240761356-C-T. GRCh37 (hg19) VCF-style: chr2-241700773-C-T.
Other names: c.2138G>A, p.Cys713Tyr (NM_001320705.2, NM_001330289.2, NM_001379638.1); c.2213G>A, p.Cys738Tyr (NM_001330290.2, NM_001379631.1, NM_001379634.1 and 2 more transcripts); c.2111G>A, p.Cys704Tyr (NM_001379632.1, NM_001379633.1, NM_001379636.1 and 10 more transcripts); c.2186G>A, p.Cys729Tyr (NM_001379637.1, NM_001379648.1); c.2111G>A (NM_004321.6); short protein forms C738Y, C713Y, C729Y, C704Y.
Identifiers: ClinVar variation 1393925 (VCV001393925.7), dbSNP rs763443113, ClinGen allele CA2208173.

ClinVar aggregate classification (germline): Conflicting classifications of pathogenicity. Review status: criteria provided, conflicting classifications (1 of 4 stars). 2 submissions from 2 submitters: Uncertain significance (1); Likely benign (1). Last evaluated 2026-02-02.

Conditions:
Hereditary spastic paraplegia 30. Identifiers: Orphanet 101010, MedGen C5235139, MONDO:0012476.
Neuropathy, hereditary sensory, type 2C. Also called: Hereditary sensory and autonomic neuropathy type IIC; KIF1A-Related HSAN2 (HSAN2C). Identifiers: Orphanet 970, MedGen C3280168, MONDO:0013634, OMIM 614213.
Intellectual disability, autosomal dominant 9 (NESCAVS). Also called: NESCAV SYNDROME; KIF1A-Related Neurodevelopmental Disorder. Identifiers: Orphanet 662367, MedGen C5393830, MONDO:0013656, OMIM 614255.

Allele frequency attached by ClinVar (database versions not stated): TOPMed below 0.00001; ExAC 0.00001; gnomAD 0.00001; gnomAD exomes 0.00001 and 0.00002.
gnomAD v4.1: 7 of 1,610,958 alleles (0.00043%); highest among the groups gnomAD compares: Admixed American, 0.012%; no homozygotes.

Submissions (2):

Labcorp Genetics (formerly Invitae), Labcorp
Classification: Likely benign for Hereditary spastic paraplegia 30; Neuropathy, hereditary sensory, type 2C; Intellectual disability, autosomal dominant 9. Last evaluated: 2026-02-02. Review status: criteria provided, single submitter. Criteria: Invitae Variant Classification Sherloc (09022015). Collection method: clinical testing. Allele origin: germline.

GeneDx
Classification: Uncertain significance. Last evaluated: 2024-11-20. Review status: criteria provided, single submitter. Criteria: GeneDx Variant Classification Process June 2021. Collection method: clinical testing. Allele origin: germline. Affected: yes.
Comment: In silico analysis indicates that this missense variant does not alter protein structure/function; Has not been previously published as pathogenic or benign to our knowledge